The following is an entry in ClinVar:

ClinVar aggregate classification (germline): Uncertain significance. Review status: criteria provided, multiple submitters, no conflicts (2 of 4 stars). 2 submissions from 2 submitters: Uncertain significance (2). Last evaluated 2026-08-25.

Conditions:
Joubert syndrome 3 (JBTS3). Also called: AHI1-related Ciliopathy. Identifiers: Orphanet 220493, MedGen C1837713, MONDO:0012078, OMIM 608629.
Joubert syndrome. Also called: Familial aplasia of the vermis; JOUBERT-BOLTSHAUSER SYNDROME. Identifiers: Orphanet 475, MedGen C5979921, MONDO:0018772.

Submissions (2):

Myriad Genetics, Inc.
Classification: Uncertain significance for Joubert syndrome 3. Last evaluated: 2026-08-25. Review status: criteria provided, single submitter. Criteria: Myriad Autosomal Dominant, Autosomal Recessive and X-Linked Classification Criteria (2023). Collection method: clinical testing. Allele origin: unknown.
Comment: NM_001134831.1(AHI1):c.3231_3233delTAT(I1078del) is an in-frame deletion classified as a variant of uncertain significance in the context of Joubert syndrome, AHI1-related. I1078del has not been observed in cases with relevant disease. Relevant functional assessments of this variant are not available in the literature. I1078del has not been observed in referenced population frequency databases. In summary, there is insufficient evidence to classify NM_001134831.1(AHI1):c.3231_3233delTAT(I1078del) as pathogenic or benign. Please note: this variant was assessed in the context of healthy population screening.

Labcorp Genetics (formerly Invitae), Labcorp
Classification: Uncertain significance for Joubert syndrome. Last evaluated: 2022-07-12. Review status: criteria provided, single submitter. Criteria: Invitae Variant Classification Sherloc (09022015). Collection method: clinical testing. Allele origin: germline.
Comment: This variant, c.3231_3233del, results in the deletion of 1 amino acid(s) of the AHI1 protein (p.Ile1078del), but otherwise preserves the integrity of the reading frame. This variant is not present in population databases (gnomAD no frequency). This variant has not been reported in the literature in individuals affected with AHI1-related conditions. Experimental studies and prediction algorithms are not available or were not evaluated, and the functional significance of this variant is currently unknown. In summary, the available evidence is currently insufficient to determine the role of this variant in disease. Therefore, it has been classified as a Variant of Uncertain Significance.

NM_001134831.2(AHI1):c.3231_3233del (p.Ile1078del)

Gene: AHI1 (Abelson helper integration site 1; minus strand). Cytogenetic location: 6q23.3.
Variant type: Deletion.
Coding change: c.3231_3233del on transcript NM_001134831.2 (MANE Select); coding-DNA positions 3231 to 3233, 3 bases deleted (TAT; older notation c.3231_3233delTAT).
Protein change: p.Ile1078del; deletes isoleucine 1078.
Molecular consequence: inframe deletion.
Genome position (GRCh38, 1-based): chr6:135,323,257-135,323,259, ATA deleted on the plus strand (TAT on the coding strand, the reverse complement: AHI1 is on the minus strand); deleting any 3 consecutive bases within chr6:135,323,257-135,323,261 gives the same sequence; the c. name uses the placement nearest the transcript's 3' end. VCF-style (leftmost placement, unchanged base first): chr6-135323256-GATA-G. GRCh37 (hg19) VCF-style: chr6-135644394-GATA-G.
Other names: c.3231_3233del, p.Ile1078del (NM_001134830.2, NM_001350503.2, NM_001350504.2 and 1 more transcripts); short protein forms I1078del.
Identifiers: ClinVar variation 2010471 (VCV002010471.2), dbSNP rs959972068, ClinGen allele CA148533690.